The following is an entry in ClinVar:

ClinVar aggregate classification (germline): Pathogenic/Likely pathogenic. Review status: criteria provided, multiple submitters, no conflicts (2 of 4 stars). 4 submissions from 3 submitters: Pathogenic (2); Likely pathogenic (1). 1 of the submissions does not count toward it. Last evaluated 2025-02-12.

Conditions:
Primary ciliary dyskinesia. Also called: Ciliary dyskinesia. Identifiers: Orphanet 244, MedGen C0008780, MONDO:0016575, HP:0012265.
Retinal dystrophy. Also called: Inherited retinal dystrophy. Identifiers: Orphanet 71862, MedGen C0854723, MeSH D058499, MONDO:0019118, HP:0000556.
Retinitis pigmentosa 3. Also called: CHOROIDORETINAL DEGENERATION WITH RETINAL REFLEX IN HETEROZYGOUS WOMEN. Identifiers: Orphanet 791, MedGen C1845667, MONDO:0010227, OMIM 300029.

Submissions (4):

3billion
Classification: Likely pathogenic for Retinitis pigmentosa 3. Last evaluated: 2025-02-12. Review status: criteria provided, single submitter. Criteria: ACMG Guidelines, 2015. Collection method: clinical testing. Allele origin: germline. Affected: yes.
Comment: The variant is not observed in the gnomAD v4.1.0 dataset. Predicted Consequence/Location: Frameshift: predicted to result in a loss or disruption of normal protein function through protein truncation. Multiple pathogenic variants are reported in the predicted truncated region. The variant has been reported at least twice as pathogenic without evidence for the classification (ClinVar ID: VCV000866004). Therefore, this variant is classified as Likely pathogenic according to the recommendation of ACMG/AMP guideline.

Labcorp Genetics (formerly Invitae), Labcorp
Classification: Pathogenic for Primary ciliary dyskinesia. Last evaluated: 2022-01-16. Review status: criteria provided, single submitter. Criteria: Invitae Variant Classification Sherloc (09022015). Collection method: clinical testing. Allele origin: germline.
Comment: For these reasons, this variant has been classified as Pathogenic. This premature translational stop signal has been observed in individual(s) with retinitis pigmentosa (PMID: 16969763). The frequency data for this variant in the population databases is considered unreliable, as metrics indicate insufficient coverage at this position in the gnomAD database. This sequence change creates a premature translational stop signal (p.Glu956Glyfs*133) in the RPGR (ORF15) gene. While this is not anticipated to result in nonsense mediated decay, it is expected to disrupt the last 197 amino acid(s) of the RPGR (ORF15) protein. This variant disrupts a region of the RPGR (ORF15) protein in which other variant(s) (p.Leu1130Lysfs*13) have been determined to be pathogenic (PMID: 22264887; Invitae). This suggests that this is a clinically significant region of the protein, and that variants that disrupt it are likely to be disease-causing. ClinVar contains an entry for this variant (Variation ID: 866004). This variant is also known as ORF15+1114delA, p.Glu371GlyfsX133.

Blueprint Genetics
Classification: Pathogenic for Retinal dystrophy. Last evaluated: 2019-08-09. Review status: criteria provided, single submitter. Criteria: Blueprint Genetics Variant Classification Scheme. Collection method: clinical testing. Allele origin: germline. Affected: yes.

Blueprint Genetics
Classification: Pathogenic for Retinitis pigmentosa 3. Review status: no assertion criteria provided. Collection method: clinical testing. Allele origin: germline. Affected: yes. Not counted in ClinVar's aggregate classification.

Literature cited by the submitters: PubMed 16969763 (cited by Labcorp Genetics (formerly Invitae), Labcorp); PubMed 22264887 (cited by Labcorp Genetics (formerly Invitae), Labcorp).

NM_001034853.2(RPGR):c.2867del (p.Glu956fs)

Gene: RPGR (retinitis pigmentosa GTPase regulator; minus strand). Cytogenetic location: Xp11.4.
Variant type: Deletion.
Coding change: c.2867del on transcript NM_001034853.2 (MANE Select); coding-DNA position 2867, one base deleted (A; older notation c.2867delA).
Protein change: p.Glu956fs; shifts the reading frame from glutamic acid 956.
Molecular consequence: frameshift variant. On other transcripts: intron variant (8).
Genome position (GRCh38, 1-based): chrX:38,286,132, T deleted on the plus strand (A on the coding strand, the reverse complement: RPGR is on the minus strand). VCF-style (leftmost placement, unchanged base first): chrX-38286131-CT-C. GRCh37 (hg19) VCF-style: chrX-38145384-CT-C.
Other names: c.1569+4827del (NM_001367249.1, NM_001367250.1); c.1902+962del (NM_001367245.1); c.1386+4827del (NM_001367251.1); c.1719+962del (NM_001367246.1); c.1572+4827del (NM_001367247.1); c.1905+962del (NM_000328.3); c.1602+4827del (NM_001367248.1); short protein forms E956fs.
Identifiers: ClinVar variation 866004 (VCV000866004.8), dbSNP rs2067146007, ClinGen allele CA916083881.